The following is an entry in ClinVar:

ClinVar aggregate classification (germline): Benign. Review status: criteria provided, multiple submitters, no conflicts (2 of 4 stars). 3 submissions from 3 submitters: Benign (3). Last evaluated 2021-05-17.

Conditions:
Spinocerebellar ataxia, autosomal recessive, with axonal neuropathy 1 (SCAN1). Identifiers: Orphanet 94124, MedGen C4759870, MONDO:0011801, OMIM 607250.

Allele frequency attached by ClinVar (database versions not stated): gnomAD exomes 0.06044; gnomAD 0.19197 and 0.20063; TOPMed 0.20962; 1000 Genomes Project 0.21845; 1000 Genomes Project 30x 0.22829.
gnomAD v4.1: 116,608 of 1,575,286 alleles (7.4%); highest among the groups gnomAD compares: African/African-American, 55%; 13,997 homozygotes.

Submissions (3):

GeneDx
Classification: Benign. Last evaluated: 2021-05-17. Review status: criteria provided, single submitter. Criteria: GeneDx Variant Classification Process June 2021. Collection method: clinical testing. Allele origin: germline. Affected: yes.

Illumina Laboratory Services, Illumina
Classification: Benign for Spinocerebellar ataxia, autosomal recessive, with axonal neuropathy 1. Last evaluated: 2018-01-12. Review status: criteria provided, single submitter. Criteria: ICSL Variant Classification Criteria 13 December 2019. Collection method: clinical testing. Allele origin: germline.
Comment: This variant was observed in the ICSL laboratory as part of a predisposition screen in an ostensibly healthy population. It had not been previously curated by ICSL or reported in the Human Gene Mutation Database (HGMD: prior to June 1st, 2018), and was therefore a candidate for classification through an automated scoring system. Utilizing variant allele frequency, disease prevalence and penetrance estimates, and inheritance mode, an automated score was calculated to assess if this variant is too frequent to cause the disease. Based on the score and internal cut-off values, a variant classified as benign is not then subjected to further curation. The score for this variant resulted in a classification of benign for this disease.

Breakthrough Genomics
Classification: Benign. Review status: criteria provided, single submitter. Criteria: ACMG Guidelines, 2015. Collection method: not provided. Allele origin: germline. Inheritance: Autosomal recessive inheritance. Affected: yes.

NM_018319.4(TDP1):c.*77C>T

Gene: TDP1 (tyrosyl-DNA phosphodiesterase 1; plus strand). Cytogenetic location: 14q32.11.
Variant type: single nucleotide variant.
Coding change: c.*77C>T on transcript NM_018319.4 (MANE Select); 77 bases downstream of the stop codon, C replaced by T.
Molecular consequence: 3 prime UTR variant.
Genome position (GRCh38, 1-based): chr14:90,043,220, C>T. VCF-style: chr14-90043220-C-T. GRCh37 (hg19) VCF-style: chr14-90509564-C-T.
Other names: c.*77C>T (NM_001008744.2); c.*58C>T (NM_001330205.2).
Identifiers: ClinVar variation 314842 (VCV000314842.7), dbSNP rs9488, ClinGen allele CA10646509.